The following is an entry in ClinVar:

ClinVar aggregate classification (germline): Likely pathogenic. Review status: reviewed by expert panel (3 of 4 stars). 13 submissions from 13 submitters: Likely pathogenic (1). 12 of the submissions do not count toward it. Last evaluated 2023-05-09.

Conditions:
Very long chain acyl-CoA dehydrogenase deficiency (ACADVLD). Also called: Very Long-Chain Acyl-Coenzyme A Dehydrogenase Deficiency; VLCAD Deficiency. Identifiers: Orphanet 26793, MedGen C3887523, MONDO:0008723, OMIM 201475.

Allele frequency attached by ClinVar (database versions not stated): gnomAD 0.00001; gnomAD exomes below 0.00001; TOPMed below 0.00001; ExAC 0.00001.

Submissions (13):

ClinGen ACADVL Variant Curation Expert Panel, ClinGen
Classification: Likely pathogenic for Very long chain acyl-CoA dehydrogenase deficiency. Last evaluated: 2023-05-09. Review status: reviewed by expert panel. Criteria: clingen acadvl acmg specifications v1. Collection method: curation. Allele origin: germline. Inheritance: Autosomal recessive inheritance.
Comment: The c.753-2A>C variant in ACADVL occurs within the canonical splice acceptor site (+/- 1,2) of intron 8. It is predicted to cause skipping of biologically-relevant-exon 9/20, resulting in an in frame deletion (removes amino acids 252-293) that is predicted to escape nonsense mediated decay (PVS1_moderate). This variant has been identified by positive newborn screen in several individuals and in individuals presenting with very long-chain acyl-CoA dehydrogenase deficiency (PMID: 27246109, 26385305, 21378393, 17999356, 16488171, 10738914, 10077518, 9973285). This variant is reported in two individuals with a beta-oxidation flux less than 20% of normal which is highly specific for very long chain acyl-CoA dehydrogenase (VLCAD) deficiency. (PP4_Moderate, PMID: 21378393, 17999356, 20060901). At least three individuals were compound heterozygous for the variant and a distinct pathogenic or likely pathogenic variant, not confirmed in trans (PM3; PMID: 27246109, 16488171, 20060901, 21378393, 17999356). The highest population minor allele frequency in gnomAD v2.1.1 is 0.00002 in the non-Finnish European population, which is lower than the ClinGen ACADVL Variant Curation Expert Panel threshold (<0.001) for PM2_Supporting, meeting this criterion (PM2_Supporting). In summary, this variant meets the criteria to be classified as likely pathogenic for autosomal recessive VLCAD deficiency based on the ACMG/AMP criteria applied, as specified by the ClinGen ACADVL Variant Curation Expert Panel: PVS1_Moderate, PM2_Supporting, PM3, PP4_Moderate (VCEP specifications v2.0, approved November 9, 2021).

Labcorp Genetics (formerly Invitae), Labcorp
Classification: Pathogenic for Very long chain acyl-CoA dehydrogenase deficiency. Last evaluated: 2025-12-02. Review status: criteria provided, single submitter. Criteria: Invitae Variant Classification Sherloc (09022015). Collection method: clinical testing. Allele origin: germline. Not counted in ClinVar's aggregate classification.
Comment: This sequence change affects an acceptor splice site in intron 8 of the ACADVL gene. It is expected to disrupt RNA splicing. Variants that disrupt the donor or acceptor splice site typically lead to a loss of protein function (PMID: 16199547), and loss-of-function variants in ACADVL are known to be pathogenic (PMID: 9973285, 11590124). This variant is present in population databases (rs398123092, gnomAD 0.002%). Disruption of this splice site has been observed in individuals with VLCAD deficiency (PMID: 10077518, 10738914, 17999356, 27246109). ClinVar contains an entry for this variant (Variation ID: 92290). Algorithms developed to predict the effect of sequence changes on RNA splicing suggest that this variant may disrupt the consensus splice site. For these reasons, this variant has been classified as Pathogenic.

Natera, Inc.
Classification: Pathogenic for Very long chain acyl-CoA dehydrogenase deficiency. Last evaluated: 2025-10-14. Review status: criteria provided, single submitter. Criteria: Natera Variant Classification Schema (03/2026). Collection method: clinical testing. Allele origin: germline. Not counted in ClinVar's aggregate classification.
Comment: The c.753-2A>C variant in ACADVL is a canonical splice acceptor site variant predicted to affect pre-mRNA splicing, which may result in an abnormal transcript and altered protein product. This variant is expected to result in nonsense mediated decay, truncation, or a dysfunctional protein product. This variant is rare in the general population with a frequency below the threshold expected for the associated phenotype(s). This variant has been observed in one or more individuals affected with the associated recessive disease, as either homozygous or compound heterozygous with a second variant (PMID: 17999356, 10738914). Given the available evidence, this variant is classified as Pathogenic.

GeneDx
Classification: Likely pathogenic. Last evaluated: 2025-01-17. Review status: criteria provided, single submitter. Criteria: GeneDx Variant Classification Process June 2021. Collection method: clinical testing. Allele origin: germline. Affected: yes. Not counted in ClinVar's aggregate classification.
Comment: Canonical splice site variant predicted to result in an in-frame loss of the adjacent exon in a gene for which loss of function is a known mechanism of disease; Not observed at significant frequency in large population cohorts (gnomAD); This variant is associated with the following publications: (PMID: 25525159, 9973285, 21378393, 16488171, 17999356, 10738914, 10077518, 27246109)

CeGaT Center for Human Genetics Tuebingen
Classification: Pathogenic. Last evaluated: 2024-07-01. Review status: criteria provided, single submitter. Criteria: CeGaT Center For Human Genetics Tuebingen Variant Classification Criteria Version 2. Collection method: clinical testing. Allele origin: germline. Affected: yes. Observed: 1 variant allele. Not counted in ClinVar's aggregate classification.
Comment: ACADVL: PM3:Very Strong, PVS1:Strong, PM2, PP4:Moderate, PS1:Supporting

Greenwood Genetic Center Diagnostic Laboratories, Greenwood Genetic Center
Classification: Pathogenic for Very long chain acyl-CoA dehydrogenase deficiency. Last evaluated: 2024-04-23. Review status: criteria provided, single submitter. Criteria: ACMG Guidelines, 2015. Collection method: clinical testing. Allele origin: germline. Affected: yes. Not counted in ClinVar's aggregate classification.
Comment: PVS1, PS3_Moderate, PM3

Baylor Genetics
Classification: Pathogenic for Very long chain acyl-CoA dehydrogenase deficiency. Last evaluated: 2024-03-28. Review status: criteria provided, single submitter. Criteria: ACMG Guidelines, 2015. Collection method: clinical testing. Allele origin: unknown. Not counted in ClinVar's aggregate classification.

ARUP Laboratories, Molecular Genetics and Genomics, ARUP Laboratories
Classification: Pathogenic for Very long chain acyl-CoA dehydrogenase deficiency. Last evaluated: 2022-06-15. Review status: criteria provided, single submitter. Criteria: ARUP Molecular Germline Variant Investigation Process 2021. Collection method: clinical testing. Allele origin: germline. Not counted in ClinVar's aggregate classification.
Comment: The ACADVL c.753-2A>C variant (rs398123092) has been described in individuals with very long-chain acyl-CoA dehydrogenase (VLCAD) deficiency (Andresen 1999, Boneh 2006, Mathur 1999). This variant is reported as pathogenic by several laboratories in ClinVar (Variation ID: 92290) and is observed in the general population at a low overall frequency of 0.0007% (2/277214 alleles) in the Genome Aggregation Database. This is an intronic variant, the nucleotide at this position is highly conserved and computational algorithms (Alamut v.2.10) predict this variant will alter mRNA splicing by disrupting the acceptor splice site in intron 8. Based on the above information, this variant is considered pathogenic. References: Andresen BS et al. Clear correlation of genotype with disease phenotype in very-long-chain acyl-CoA dehydrogenase deficiency. Am J Hum Genet. 1999 Feb;64(2):479-94. Boneh A et al. VLCAD deficiency: pitfalls in newborn screening and confirmation of diagnosis by mutation analysis. Mol Genet Metab. 2006 Jun;88(2):166-70. Mathur A et al. Molecular heterogeneity in very-long-chain acyl-CoA dehydrogenase deficiency causing pediatric cardiomyopathy and sudden death. 1999 Mar 16;99(10):1337-43.

Myriad Genetics, Inc.
Classification: Pathogenic for Very long chain acyl-CoA dehydrogenase deficiency. Last evaluated: 2021-11-08. Review status: criteria provided, single submitter. Criteria: Myriad Women's Health Autosomal Recessive and X-Linked Classification Criteria (2021). Collection method: clinical testing. Allele origin: unknown. Not counted in ClinVar's aggregate classification.
Comment: NM_000018.3(ACADVL):c.753-2A>C is a canonical splice variant classified as pathogenic in the context of very-long-chain acyl-CoA dehydrogenase deficiency. c.753-2A>C has been observed in cases with relevant disease (PMID: 10738914, 17999356). Functional assessments of this variant are not available in the literature. c.753-2A>C has been observed in population frequency databases (gnomAD: NFE 0.002%). In summary, NM_000018.3(ACADVL):c.753-2A>C is a canonical splice variant that has been observed more frequently in cases with the relevant disease than in healthy populations. Please note: this variant was assessed in the context of healthy population screening.

Women's Health and Genetics/Laboratory Corporation of America, LabCorp
Classification: Pathogenic for Very long chain acyl-CoA dehydrogenase deficiency. Last evaluated: 2020-11-25. Review status: criteria provided, single submitter. Criteria: LabCorp Variant Classification Summary - May 2015. Collection method: clinical testing. Allele origin: germline. Not counted in ClinVar's aggregate classification.
Comment: Variant summary: ACADVL c.753-2A>C is located in a canonical splice-site and is predicted to affect mRNA splicing resulting in a significantly altered protein due to either exon skipping, shortening, or inclusion of intronic material. Several computational tools predict a significant impact on normal splicing: Four predict the variant abolishes a 3 acceptor site. Experimental evidence demonstrated this variant affects the mRNA product (Andersen_1999). The variant allele was found at a frequency of 4e-06 in 251484 control chromosomes (gnomAD). c.753-2A>C has been reported in the literature in multiple individuals affected with Very Long Chain Acyl-CoA Dehydrogenase Deficiency (e.g. Andresen_1999, Pons_2000, Boneh_2006, Bastin_2011). These data indicate that the variant is very likely to be associated with disease. Five ClinVar submitters (evaluation after 2014) cite the variant as pathogenic. Based on the evidence outlined above, the variant was classified as pathogenic.

Wong Mito Lab, Molecular and Human Genetics, Baylor College of Medicine
Classification: Pathogenic for Very long chain acyl-CoA dehydrogenase deficiency. Last evaluated: 2019-11-01. Review status: criteria provided, single submitter. Criteria: ACMG Guidelines, 2015. Collection method: clinical testing. Allele origin: germline. Not counted in ClinVar's aggregate classification.
Comment: The NM_000018.3:c.753-2A>C (NP_000009.1:p.?) [GRCH38: NC_000017.11:g.7222175A>C] variant in ACADVL gene is interpretated to be Pathogenic based on ACMG guidelines (PMID: 25741868). This variant has been reported in PMID: 9973285. This variant meets the following evidence codes reported in the ACMG guidelines: PVS1, PS3

Eurofins Ntd Llc (ga)
Classification: Pathogenic. Last evaluated: 2013-07-17. Review status: criteria provided, single submitter. Criteria: EGL Classification Definitions. Collection method: clinical testing. Allele origin: germline. Observed: 4 variant alleles, 4 heterozygotes. Not counted in ClinVar's aggregate classification.

Clinical Genetics Service, Universitary Hospital 12 de Octubre
Classification: Pathogenic for Very long chain acyl-CoA dehydrogenase deficiency. Review status: criteria provided, single submitter. Criteria: ACMG Guidelines, 2015. Collection method: clinical testing. Allele origin: germline. Affected: no. Not counted in ClinVar's aggregate classification.

Literature cited by the submitters: PubMed 16199547 (cited by Labcorp Genetics (formerly Invitae), Labcorp); PubMed 9973285 (cited by 3 submitters); PubMed 11590124 (cited by Labcorp Genetics (formerly Invitae), Labcorp); PubMed 10077518 (cited by Labcorp Genetics (formerly Invitae), Labcorp); PubMed 10738914 (cited by 4 submitters); PubMed 17999356 (cited by 3 submitters); PubMed 27246109 (cited by Labcorp Genetics (formerly Invitae), Labcorp); PubMed 21378393 (cited by Women's Health and Genetics/Laboratory Corporation of America, LabCorp); PubMed 16488171 (cited by Women's Health and Genetics/Laboratory Corporation of America, LabCorp).

NM_000018.4(ACADVL):c.753-2A>C

Gene: ACADVL (acyl-CoA dehydrogenase very long chain; plus strand). Cytogenetic location: 17p13.1.
Variant type: single nucleotide variant.
Coding change: c.753-2A>C on transcript NM_000018.4 (MANE Select); the canonical splice acceptor site of the intron before coding-DNA position 753, A replaced by C.
Molecular consequence: splice acceptor variant.
Genome position (GRCh38, 1-based): chr17:7,222,175, A>C. VCF-style: chr17-7222175-A-C. GRCh37 (hg19) VCF-style: chr17-7125494-A-C.
Other names: c.822-2A>C (NM_001270447.2); c.525-2A>C (NM_001270448.2); c.687-2A>C (NM_001033859.3).
Identifiers: ClinVar variation 92290 (VCV000092290.59), dbSNP rs398123092, ClinGen allele CA220220.